The following is an entry in ClinVar:

ClinVar aggregate classification (germline): Uncertain significance. Review status: criteria provided, multiple submitters, no conflicts (2 of 4 stars). 2 submissions from 2 submitters: Uncertain significance (2). Last evaluated 2022-07-26.

Allele frequency attached by ClinVar (database versions not stated): ExAC 0.00002; gnomAD exomes 0.00002; gnomAD 0.00003 and 0.00004; TOPMed 0.00005.
gnomAD v4.1: 7 of 1,614,074 alleles (0.00043%); highest among the groups gnomAD compares: African/African-American, 0.0067%; no homozygotes.

Submissions (2):

Ambry Genetics
Classification: Uncertain significance. Last evaluated: 2022-07-26. Review status: criteria provided, single submitter. Criteria: Ambry Variant Classification Scheme 2023. Collection method: clinical testing. Allele origin: germline.

Labcorp Genetics (formerly Invitae), Labcorp
Classification: Uncertain significance. Last evaluated: 2022-07-12. Review status: criteria provided, single submitter. Criteria: Invitae Variant Classification Sherloc (09022015). Collection method: clinical testing. Allele origin: germline.
Comment: This variant has not been reported in the literature in individuals affected with CEP250-related conditions. In summary, the available evidence is currently insufficient to determine the role of this variant in disease. Therefore, it has been classified as a Variant of Uncertain Significance. Algorithms developed to predict the effect of missense changes on protein structure and function are either unavailable or do not agree on the potential impact of this missense change (SIFT: "Not Available"; PolyPhen-2: "Possibly Damaging"; Align-GVGD: "Not Available"). ClinVar contains an entry for this variant (Variation ID: 1424283). This variant is present in population databases (rs770666823, gnomAD 0.02%). This sequence change replaces alanine with serine at codon 387 of the CEP250 protein (p.Ala387Ser). The alanine residue is moderately conserved and there is a moderate physicochemical difference between alanine and serine.

NM_007186.6(CEP250):c.1159G>T (p.Ala387Ser)

Genes: CEP250 (centrosomal protein 250; plus strand), CEP250-AS1 (CEP250 antisense RNA 1; minus strand). Cytogenetic location: 20q11.22.
Variant type: single nucleotide variant.
Coding change: c.1159G>T on transcript NM_007186.6 (MANE Select); coding-DNA position 1159, G replaced by T.
Protein change: p.Ala387Ser; replaces alanine 387 with serine.
Molecular consequence: missense variant. On other transcripts: 5 prime UTR variant (1).
Genome position (GRCh38, 1-based): chr20:35,472,781, G>T. VCF-style: chr20-35472781-G-T. GRCh37 (hg19) VCF-style: chr20-34060606-G-T.
Other names: c.-741G>T (NM_001318219.1); c.1159G>T (NM_007186.3); short protein forms A387S.
Identifiers: ClinVar variation 1424283 (VCV001424283.7), dbSNP rs770666823, ClinGen allele CA9832827.